The following is an entry in ClinVar:

NM_001032283.3(TMPO):c.560A>G (p.Glu187Gly)

Gene: TMPO (thymopoietin; plus strand). Cytogenetic location: 12q23.1.
Variant type: single nucleotide variant.
Coding change: c.560A>G on transcript NM_001032283.3 (MANE Select); coding-DNA position 560, A replaced by G.
Protein change: p.Glu187Gly; replaces glutamic acid 187 with glycine.
Molecular consequence: missense variant.
Genome position (GRCh38, 1-based): chr12:98,531,833, A>G. VCF-style: chr12-98531833-A-G. GRCh37 (hg19) VCF-style: chr12-98925611-A-G.
Other names: c.560A>G, p.Glu187Gly (NM_001032284.3, NM_001307975.2, NM_003276.2); short protein forms E187G.
Identifiers: ClinVar variation 3666572 (VCV003666572.2).
Genomic context (GRCh38, chr12:98,531,833, plus strand): 5'-CTTCAGCAGAAAATACAAGGCAGAATGGAAGTAATGATTCTGACAGATACAGTGACAATG[A>G]AGAAGGTAAAATTTTAAATGATGTTAATCAAATGTATGGAATTTTTTCACACTCAAAATT-3'
Protein context (NP_001027454.1, residues 177-197): SNDSDRYSDN[Glu187Gly]EDSKIELKLE

ClinVar aggregate classification (germline): Uncertain significance (1 of 4 stars; one submission).

Conditions:
Loeys-Dietz syndrome 2 (LDS2). Also called: TGFBR2-Related Loeys-Dietz Syndrome; Marfan syndrome, type 2 (formerly); AORTIC ANEURYSM, FAMILIAL THORACIC 3; MARFAN SYNDROME, TYPE II; Marfan Syndrome type 2; Marfan like connective tissue disorder. Identifiers: Orphanet 284973, Orphanet 558, MedGen C2674574, MONDO:0012427, OMIM 610168.

gnomAD v4.1: 1 of 1,611,012 alleles (0.000062%); highest among the groups gnomAD compares: Non-Finnish European, 0.000085%; no homozygotes.

Submission:

Labcorp Genetics (formerly Invitae), Labcorp
Classification: Uncertain significance for Loeys-Dietz syndrome 2. Last evaluated: 2024-04-11. Review status: criteria provided, single submitter. Criteria: Invitae Variant Classification Sherloc (09022015). Collection method: clinical testing. Allele origin: germline.
Comment: This sequence change replaces glutamic acid, which is acidic and polar, with glycine, which is neutral and non-polar, at codon 187 of the TMPO protein (p.Glu187Gly). This variant is not present in population databases (gnomAD no frequency). This variant has not been reported in the literature in individuals affected with TMPO-related conditions. Advanced modeling of protein sequence and biophysical properties (such as structural, functional, and spatial information, amino acid conservation, physicochemical variation, residue mobility, and thermodynamic stability) performed at Invitae indicates that this missense variant is not expected to disrupt TMPO protein function with a negative predictive value of 80%. In summary, the available evidence is currently insufficient to determine the role of this variant in disease. Therefore, it has been classified as a Variant of Uncertain Significance.